The following is an entry in ClinVar:

NM_004183.4(BEST1):c.1582G>C (p.Glu528Gln)

Gene: BEST1 (bestrophin 1; plus strand). Cytogenetic location: 11q12.3.
Variant type: single nucleotide variant.
Coding change: c.1582G>C on transcript NM_004183.4 (MANE Select); coding-DNA position 1582, G replaced by C.
Protein change: p.Glu528Gln; replaces glutamic acid 528 with glutamine.
Molecular consequence: missense variant. On other transcripts: non-coding transcript variant (1).
Genome position (GRCh38, 1-based): chr11:61,962,736, G>C. VCF-style: chr11-61962736-G-C. GRCh37 (hg19) VCF-style: chr11-61730208-G-C.
Other names: c.1402G>C, p.Glu468Gln (NM_001139443.3, NM_001300787.2); c.1321G>C, p.Glu441Gln (NM_001300786.2); c.1264G>C, p.Glu422Gln (NM_001363591.3); c.*477G>C (NM_001363592.2); c.610G>C, p.Glu204Gln (NM_001363593.3); short protein forms E204Q, E422Q, E441Q, E468Q, E528Q.
Identifiers: ClinVar variation 972250 (VCV000972250.10), dbSNP rs1942204956, ClinGen allele CA380849744.
Genomic context (GRCh38, chr11:61,962,736, plus strand): 5'-GGGGCCAAGAAAAGTTTTGAATTGCTCTCAGAGAGCGATGGGGCCTTGATGGAGCACCCA[G>C]AAGTATCTCAAGTGAGGAGGAAAACTGTGGAGTTTAACCTGACGGATATGCCAGAGATCC-3'
Protein context (NP_004174.1, residues 518-538): ESDGALMEHP[Glu528Gln]VSQVRRKTVE

ClinVar aggregate classification (germline): Uncertain significance. Review status: criteria provided, multiple submitters, no conflicts (2 of 4 stars). 2 submissions from 2 submitters: Uncertain significance (2). Last evaluated 2024-10-29.

Allele frequency attached by ClinVar (database versions not stated): gnomAD exomes below 0.00001.
gnomAD v4.1: 2 of 1,614,228 alleles (0.00012%); highest among the groups gnomAD compares: Non-Finnish European, 0.00017%; no homozygotes.

Submissions (2):

Labcorp Genetics (formerly Invitae), Labcorp
Classification: Uncertain significance. Last evaluated: 2024-10-29. Review status: criteria provided, single submitter. Criteria: Invitae Variant Classification Sherloc (09022015). Collection method: clinical testing. Allele origin: germline.
Comment: This sequence change replaces glutamic acid, which is acidic and polar, with glutamine, which is neutral and polar, at codon 528 of the BEST1 protein (p.Glu528Gln). This variant is not present in population databases (gnomAD no frequency). This variant has not been reported in the literature in individuals affected with BEST1-related conditions. ClinVar contains an entry for this variant (Variation ID: 972250). An algorithm developed to predict the effect of missense changes on protein structure and function outputs the following: PolyPhen-2: "Benign". The glutamine amino acid residue is found in multiple mammalian species, which suggests that this missense change does not adversely affect protein function. In summary, the available evidence is currently insufficient to determine the role of this variant in disease. Therefore, it has been classified as a Variant of Uncertain Significance.

Blueprint Genetics
Classification: Uncertain significance. Last evaluated: 2024-02-12. Review status: criteria provided, single submitter. Criteria: ACMG Guidelines, 2015. Collection method: clinical testing. Allele origin: germline.